The following is an entry in ClinVar:

NM_001256071.3(RNF213):c.10088G>A (p.Arg3363Gln)

Gene: RNF213 (ring finger protein 213; plus strand). Cytogenetic location: 17q25.3.
Variant type: single nucleotide variant.
Coding change: c.10088G>A on transcript NM_001256071.3 (MANE Select); coding-DNA position 10088, G replaced by A.
Protein change: p.Arg3363Gln; replaces arginine 3363 with glutamine.
Molecular consequence: missense variant.
Genome position (GRCh38, 1-based): chr17:80,349,906, G>A. VCF-style: chr17-80349906-G-A. GRCh37 (hg19) VCF-style: chr17-78323706-G-A.
Other names: c.10235G>A, p.Arg3412Gln (NM_001410195.1, NM_020914.5); short protein forms R3412Q, R3363Q.
Identifiers: ClinVar variation 1911232 (VCV001911232.5), dbSNP rs745952693, ClinGen allele CA8821280.

ClinVar aggregate classification (germline): Uncertain significance (1 of 4 stars; one submission).

Allele frequency attached by ClinVar (database versions not stated): ExAC 0.00001; gnomAD exomes 0.00001.
gnomAD v4.1: 16 of 1,613,120 alleles (0.00099%); highest among the groups gnomAD compares: East Asian, 0.0022%; no homozygotes.

Submission:

Labcorp Genetics (formerly Invitae), Labcorp
Classification: Uncertain significance. Last evaluated: 2025-10-02. Review status: criteria provided, single submitter. Criteria: Invitae Variant Classification Sherloc (09022015). Collection method: clinical testing. Allele origin: germline.
Comment: This sequence change replaces arginine, which is basic and polar, with glutamine, which is neutral and polar, at codon 3363 of the RNF213 protein (p.Arg3363Gln). This variant also falls at the last nucleotide of exon 30, which is part of the consensus splice site for this exon. This variant is present in population databases (rs745952693, gnomAD 0.003%). This variant has not been reported in the literature in individuals affected with RNF213-related conditions. ClinVar contains an entry for this variant (Variation ID: 1911232). An algorithm developed to predict the effect of missense changes on protein structure and function outputs the following: PolyPhen-2: "Benign". The glutamine amino acid residue is found in multiple mammalian species, which suggests that this missense change does not adversely affect protein function. Variants that disrupt the consensus splice site are a relatively common cause of aberrant splicing (PMID: 17576681, 9536098). Algorithms developed to predict the effect of sequence changes on RNA splicing suggest that this variant may disrupt the consensus splice site. In summary, the available evidence is currently insufficient to determine the role of this variant in disease. Therefore, it has been classified as a Variant of Uncertain Significance.

Literature cited by the submitters: PubMed 17576681; PubMed 9536098.